The following is an entry in ClinVar:

NM_006734.4(HIVEP2):c.5759A>G (p.Asp1920Gly)

Gene: HIVEP2 (HIVEP zinc finger 2; minus strand). Cytogenetic location: 6q24.2.
Variant type: single nucleotide variant.
Coding change: c.5759A>G on transcript NM_006734.4 (MANE Select); coding-DNA position 5759, A replaced by G.
Protein change: p.Asp1920Gly; replaces aspartic acid 1920 with glycine.
Molecular consequence: missense variant.
Genome position (GRCh38, 1-based): chr6:142,760,529, T>C on the plus strand (A>G on the coding strand, the complement: HIVEP2 is on the minus strand). VCF-style: chr6-142760529-T-C. GRCh37 (hg19) VCF-style: chr6-143081666-T-C.
Other names: short protein forms D1920G.
Identifiers: ClinVar variation 2502786 (VCV002502786.1), dbSNP rs2482772908, ClinGen allele CA365888767.
Genomic context (GRCh38, chr6:142,760,529, plus strand): 5'-GGCTGAGGACTGGTGCTTCTTGATCTTGTTTTTGGTGTTAAATCTCCCTGGTCGTCAAAG[T>C]CATCTTCATCTTCATCATCATCATCATTATCATCTCCATCCTCACCATCTGATTCCTCAG-3'
Protein context (NP_006725.3, residues 1910-1930): DNDDDDEDED[Asp1920Gly]FDDQGDLTPK

ClinVar aggregate classification (germline): Uncertain significance (1 of 4 stars; one submission).

Submission:

GeneDx
Classification: Uncertain significance. Last evaluated: 2022-11-20. Review status: criteria provided, single submitter. Criteria: GeneDx Variant Classification Process June 2021. Collection method: clinical testing. Allele origin: germline. Affected: yes.
Comment: Not observed at significant frequency in large population cohorts (gnomAD); In silico analysis supports that this missense variant has a deleterious effect on protein structure/function; Has not been previously published as pathogenic or benign to our knowledge